The following is an entry in ClinVar:

NM_004656.4(BAP1):c.1612C>G (p.Leu538Val)

Gene: BAP1 (BRCA1 associated deubiquitinase 1; minus strand). Cytogenetic location: 3p21.1.
Variant type: single nucleotide variant.
Coding change: c.1612C>G on transcript NM_004656.4 (MANE Select); coding-DNA position 1612, C replaced by G.
Protein change: p.Leu538Val; replaces leucine 538 with valine.
Molecular consequence: missense variant.
Genome position (GRCh38, 1-based): chr3:52,403,533, G>C on the plus strand (C>G on the coding strand, the complement: BAP1 is on the minus strand). VCF-style: chr3-52403533-G-C. GRCh37 (hg19) VCF-style: chr3-52437549-G-C.
Other names: c.1558C>G, p.Leu520Val (NM_001410772.1); short protein forms L520V, L538V.
Identifiers: ClinVar variation 3478020 (VCV003478020.1).
Genomic context (GRCh38, chr3:52,403,533, plus strand): 5'-TGATGACAGGACCCAGATCACGGACAGCACGGTTGTAGCGTATGCAGTCAACACGCAGCA[G>C]GCTGTCATCCTCTCCAAAAAGCACCTTGGAGATGTGGGAGGTGACAGGGCTGGAGGGCCG-3'
Protein context (NP_004647.1, residues 528-548): SKVLFGEDDS[Leu538Val]LRVDCIRYNR

ClinVar aggregate classification (germline): Uncertain significance (1 of 4 stars; one submission).

Conditions:
Hereditary cancer-predisposing syndrome. Also called: Tumor predisposition; Neoplastic Syndromes, Hereditary; Hereditary neoplastic syndrome; Hereditary Cancer Syndrome. Identifiers: Orphanet 140162, MedGen C0027672, MeSH D009386, MONDO:0015356.

Submission:

Ambry Genetics
Classification: Uncertain significance for Hereditary cancer-predisposing syndrome. Last evaluated: 2024-12-04. Review status: criteria provided, single submitter. Criteria: Ambry Variant Classification Scheme 2023. Collection method: clinical testing. Allele origin: germline.
Comment: The p.L538V variant (also known as c.1612C>G), located in coding exon 13 of the BAP1 gene, results from a C to G substitution at nucleotide position 1612. The leucine at codon 538 is replaced by valine, an amino acid with highly similar properties. This amino acid position is conserved. In addition, this alteration is predicted to be tolerated by in silico analysis. Based on the available evidence, the clinical significance of this variant remains unclear.